The following is an entry in ClinVar:

NM_024817.3(THSD4):c.3032A>G (p.Gln1011Arg)

Gene: THSD4 (thrombospondin type 1 domain containing 4; plus strand). Cytogenetic location: 15q23.
Variant type: single nucleotide variant.
Coding change: c.3032A>G on transcript NM_024817.3 (MANE Select); coding-DNA position 3032, A replaced by G.
Protein change: p.Gln1011Arg; replaces glutamine 1011 with arginine.
Molecular consequence: missense variant.
Genome position (GRCh38, 1-based): chr15:71,777,349, A>G. VCF-style: chr15-71777349-A-G. GRCh37 (hg19) VCF-style: chr15-72069688-A-G.
Other names: c.1952A>G, p.Gln651Arg (NM_001286429.2); c.3032A>G, p.Gln1011Arg (NM_001394532.1); short protein forms Q1011R, Q651R.
Identifiers: ClinVar variation 3236722 (VCV003236722.2).
Genomic context (GRCh38, chr15:71,777,349, plus strand): 5'-GTGTCTACAACTACTACAAGACCGCCTGCTGTGCCTCCTGCACCCGTGTGGCCAACAGGC[A>G]GACGGGCTTCCTGGGGAGCAGATAACACTCCTGCACCCCCATCAGTAGGGCAGCATCACT-3'
Protein context (NP_079093.2, residues 1001-1018): CASCTRVANR[Gln1011Arg]TGFLGSR

ClinVar aggregate classification (germline): Uncertain significance (1 of 4 stars; one submission).

Conditions:
Aortic aneurysm, familial thoracic 12. Identifiers: MedGen C5676959, MONDO:0030731, OMIM 619825.

Submission:

Centre of Medical Genetics, University of Antwerp
Classification: Uncertain significance for Aortic aneurysm, familial thoracic 12. Last evaluated: 2024-05-21. Review status: criteria provided, single submitter. Criteria: ACMG Guidelines, 2015. Collection method: clinical testing. Allele origin: unknown. Affected: yes.
Comment: PM2, BP4